The following is an entry in ClinVar:

NM_014141.6(CNTNAP2):c.3475+19A>C

Gene: CNTNAP2 (contactin associated protein 2; plus strand). Cytogenetic location: 7q36.1.
Variant type: single nucleotide variant.
Coding change: c.3475+19A>C on transcript NM_014141.6 (MANE Select); 19 bases into the intron after coding-DNA position 3475, A replaced by C.
Molecular consequence: intron variant.
Genome position (GRCh38, 1-based): chr7:148,267,145, A>C. VCF-style: chr7-148267145-A-C. GRCh37 (hg19) VCF-style: chr7-147964237-A-C.
Identifiers: ClinVar variation 388453 (VCV000388453.3), dbSNP rs749665763, ClinGen allele CA4546663.
Genomic context (GRCh38, chr7:148,267,145, plus strand): 5'-TCTTCAATTCTCCCAAGTCGCTCTTTCTGGGAAAAGTTATAGGTAAGAATGTGGTTCGTT[A>C]GGTATAAATGCGTGCTACAAATACATTTGGGTAATGTGAGTTTGGATTTTAAAACTATCA-3'

ClinVar aggregate classification (germline): Likely benign. Review status: criteria provided, multiple submitters, no conflicts (2 of 4 stars). 2 submissions from 2 submitters: Likely benign (2). Last evaluated 2024-07-01.

Conditions:
Cortical dysplasia-focal epilepsy syndrome (PTHSL1). Also called: Pitt-Hopkins-like syndrome 1. Identifiers: Orphanet 163681, Orphanet 221150, MedGen C2750246, MONDO:0012400, OMIM 610042.

gnomAD v4.1: 2 of 1,586,572 alleles (0.00013%); highest among the groups gnomAD compares: Non-Finnish European, 0.00017%; no homozygotes.

Submissions (2):

Labcorp Genetics (formerly Invitae), Labcorp
Classification: Likely benign for Cortical dysplasia-focal epilepsy syndrome. Last evaluated: 2024-07-01. Review status: criteria provided, single submitter. Criteria: Invitae Variant Classification Sherloc (09022015). Collection method: clinical testing. Allele origin: germline.

GeneDx
Classification: Likely benign. Last evaluated: 2016-08-11. Review status: criteria provided, single submitter. Criteria: GeneDx Variant Classification (06012015). Collection method: clinical testing. Allele origin: germline. Affected: yes.
Comment: This variant is considered likely benign or benign based on one or more of the following criteria: it is a conservative change, it occurs at a poorly conserved position in the protein, it is predicted to be benign by multiple in silico algorithms, and/or has population frequency not consistent with disease.